The following is an entry in ClinVar:

ClinVar aggregate classification (germline): Likely pathogenic. Review status: criteria provided, multiple submitters, no conflicts (2 of 4 stars). 3 submissions from 3 submitters: Likely pathogenic (2). 1 of the submissions does not count toward it. Last evaluated 2025-07-01.

Conditions:
Autosomal recessive congenital ichthyosis 1 (LI1). Also called: ICHTHYOSIS CONGENITA; ICHTHYOSIS CONGENITA II; LAMELLAR EXFOLIATION OF NEWBORN; ICHTHYOSIS, CONGENITAL, AUTOSOMAL RECESSIVE 1, WITH OR WITHOUT BATHING SUIT DISTRIBUTION; COLLODION FETUS; DESQUAMATION OF NEWBORN. Identifiers: MedGen C4551630, MONDO:0009441, OMIM 242300.

Allele frequency attached by ClinVar (database versions not stated): gnomAD exomes 0.00001 and below 0.00001; TOPMed below 0.00001; ExAC 0.00001.
gnomAD v4.1: 4 of 1,613,216 alleles (0.00025%); highest among the groups gnomAD compares: South Asian, 0.0044%; no homozygotes.

Submissions (3):

Natera, Inc.
Classification: Likely pathogenic for Autosomal recessive congenital ichthyosis type 1. Last evaluated: 2025-07-01. Review status: criteria provided, single submitter. Criteria: Natera Variant Classification Schema (03/2026). Collection method: clinical testing. Allele origin: germline.
Comment: The c.910A>T variant in TGM1 is a missense variant predicted to cause substitution of isoleucine to phenylalanine at amino acid 304. This variant is rare in the general population with a frequency below the threshold expected for the associated phenotype(s). This variant has been observed in one or more individuals affected with the associated recessive disease, as either homozygous or compound heterozygous with a second variant (PMID: 25209454, 19241467, 18361769). Computational prediction algorithms indicate this variant is likely to affect gene or protein function. Given the available evidence, this variant is classified as Likely Pathogenic.

Baylor Genetics
Classification: Likely pathogenic for Autosomal recessive congenital ichthyosis 1. Last evaluated: 2023-07-30. Review status: criteria provided, single submitter. Criteria: ACMG Guidelines, 2015. Collection method: clinical testing. Allele origin: unknown.

Foundation for Research in Genetics and Endocrinology, FRIGE's Institute of Human Genetics
Classification: Likely pathogenic for Autosomal recessive congenital ichthyosis 1. Last evaluated: 2015-08-18. Review status: no assertion criteria provided. Collection method: clinical testing. Allele origin: germline. Inheritance: Autosomal recessive inheritance. Affected: yes. Not counted in ClinVar's aggregate classification.
Comment: Variant c.910A>T/p.I304F was found to be pathogenic by Polyphen, SIFT, LRT and Mutation Taster online software.

Literature cited by the submitters: PubMed 25209454 (cited by Natera, Inc.); PubMed 19241467 (cited by Natera, Inc.); PubMed 18361769 (cited by Natera, Inc.).

NM_000359.3(TGM1):c.910A>T (p.Ile304Phe)

Gene: TGM1 (transglutaminase 1; minus strand). Cytogenetic location: 14q12.
Variant type: single nucleotide variant.
Coding change: c.910A>T on transcript NM_000359.3 (MANE Select); coding-DNA position 910, A replaced by T.
Protein change: p.Ile304Phe; replaces isoleucine 304 with phenylalanine.
Molecular consequence: missense variant.
Genome position (GRCh38, 1-based): chr14:24,259,778, T>A on the plus strand (A>T on the coding strand, the complement: TGM1 is on the minus strand). VCF-style: chr14-24259778-T-A. GRCh37 (hg19) VCF-style: chr14-24728984-T-A.
Other names: short protein forms I304F.
Identifiers: ClinVar variation 243015 (VCV000243015.4), dbSNP rs753798494, ClinGen allele CA7131237.